The following is an entry in ClinVar:

ClinVar aggregate classification (germline): Conflicting classifications of pathogenicity. Review status: criteria provided, conflicting classifications (1 of 4 stars). 4 submissions from 4 submitters: Uncertain significance (3); Likely benign (1). Last evaluated 2025-08-30.

Conditions:
Cardiovascular phenotype. Identifiers: MedGen CN230736.
Distal myopathy with posterior leg and anterior hand involvement. Also called: WILLIAMS DISTAL MYOPATHY. Identifiers: Orphanet 63273, MedGen C3279722, MONDO:0013550, OMIM 614065.
Myofibrillar myopathy 5. Also called: Filaminopathy (type); FILAMINOPATHY, AUTOSOMAL DOMINANT. Identifiers: Orphanet 171445, MedGen C1836050, MONDO:0012289, OMIM 609524.
Hypertrophic cardiomyopathy 26. Also called: Cardiomyopathy, familial hypertrophic, 26. Identifiers: Orphanet 75249, MedGen C4310749, MONDO:0014883, OMIM 617047.

Allele frequency attached by ClinVar (database versions not stated): gnomAD exomes 0.00001 and 0.00003; TOPMed 0.00002; gnomAD 0.00003; ExAC 0.00005; ESP Exome Variant Server 0.00009.
gnomAD v4.1: 17 of 1,549,424 alleles (0.0011%); highest among the groups gnomAD compares: South Asian, 0.011%; no homozygotes.

Submissions (4):

Ambry Genetics
Classification: Uncertain significance for Cardiovascular phenotype. Last evaluated: 2025-08-30. Review status: criteria provided, single submitter. Criteria: Ambry Variant Classification Scheme 2023. Collection method: clinical testing. Allele origin: germline.

Women's Health and Genetics/Laboratory Corporation of America, LabCorp
Classification: Uncertain significance. Last evaluated: 2024-09-30. Review status: criteria provided, single submitter. Criteria: LabCorp Variant Classification Summary - May 2015. Collection method: clinical testing. Allele origin: germline.
Comment: Variant summary: FLNC c.2281G>A (p.Gly761Ser) results in a non-conservative amino acid change in the encoded protein sequence. Four of five in-silico tools predict a damaging effect of the variant on protein function. The variant allele was found at a frequency of 2.6e-05 in 152028 control chromosomes. The available data on variant occurrences in the general population are insufficient to allow any conclusion about variant significance. To our knowledge, no occurrence of c.2281G>A in individuals affected with Dilated Cardiomyopathy and no experimental evidence demonstrating its impact on protein function have been reported. ClinVar contains an entry for this variant (Variation ID: 661474). Based on the evidence outlined above, the variant was classified as uncertain significance.

Labcorp Genetics (formerly Invitae), Labcorp
Classification: Likely benign for Distal myopathy with posterior leg and anterior hand involvement; Myofibrillar myopathy 5; Hypertrophic cardiomyopathy 26. Last evaluated: 2024-08-01. Review status: criteria provided, single submitter. Criteria: Invitae Variant Classification Sherloc (09022015). Collection method: clinical testing. Allele origin: germline.

Revvity Omics, Revvity
Classification: Uncertain significance. Last evaluated: 2021-05-24. Review status: criteria provided, single submitter. Criteria: ACMG Guidelines, 2015. Collection method: clinical testing. Allele origin: germline.

NM_001458.5(FLNC):c.2281G>A (p.Gly761Ser)

Gene: FLNC (filamin C; plus strand). Cytogenetic location: 7q32.1.
Variant type: single nucleotide variant.
Coding change: c.2281G>A on transcript NM_001458.5 (MANE Select); coding-DNA position 2281, G replaced by A.
Protein change: p.Gly761Ser; replaces glycine 761 with serine.
Molecular consequence: missense variant.
Genome position (GRCh38, 1-based): chr7:128,842,590, G>A. VCF-style: chr7-128842590-G-A. GRCh37 (hg19) VCF-style: chr7-128482644-G-A.
Other names: c.2281G>A, p.Gly761Ser (NM_001127487.2); short protein forms G761S.
Identifiers: ClinVar variation 661474 (VCV000661474.11), dbSNP rs374691339, ClinGen allele CA4474679.
Genomic context (GRCh38, chr7:128,842,590, plus strand): 5'-AGCCTTGAGGGAGGGCACCACGCTGAGCTGCGACCCCTCCCGCAGGTGAACGTGGGCGAG[G>A]GCAGCCACCCCGAGCGGGTAAAGGTGTACGGCCCCGGAGTGGAGAAGACAGGCCTCAAGG-3'
Protein context (NP_001449.3, residues 751-771): KSPFRVNVGE[Gly761Ser]SHPERVKVYG